The following is an entry in ClinVar:

ClinVar aggregate classification (germline): Likely benign. Review status: criteria provided, single submitter (1 of 4 stars). 2 submissions from 2 submitters: Likely benign (1). 1 of the submissions does not count toward it. Last evaluated 2023-12-09.

Conditions:
MYO15A-related disorder. Also called: MYO15A-related condition.

Allele frequency attached by ClinVar (database versions not stated): ExAC 0.00003; gnomAD 0.00007; 1000 Genomes Project 30x 0.00016; 1000 Genomes Project 0.00020.
gnomAD v4.1: 24 of 1,613,980 alleles (0.0015%); highest among the groups gnomAD compares: African/African-American, 0.027%; no homozygotes.

Submissions (2):

Labcorp Genetics (formerly Invitae), Labcorp
Classification: Likely benign. Last evaluated: 2023-12-09. Review status: criteria provided, single submitter. Criteria: Invitae Variant Classification Sherloc (09022015). Collection method: clinical testing. Allele origin: germline.

PreventionGenetics, part of Exact Sciences
Classification: Likely benign for MYO15A-related condition. Last evaluated: 2019-06-10. Review status: no assertion criteria provided. Collection method: clinical testing. Allele origin: germline. Not counted in ClinVar's aggregate classification.
Comment: This variant is classified as likely benign based on ACMG/AMP sequence variant interpretation guidelines (Richards et al. 2015 PMID: 25741868, with internal and published modifications).

NM_016239.4(MYO15A):c.4146C>T (p.Gly1382=)

Gene: MYO15A (myosin XVA; plus strand). Cytogenetic location: 17p11.2.
Variant type: single nucleotide variant.
Coding change: c.4146C>T on transcript NM_016239.4 (MANE Select); coding-DNA position 4146, C replaced by T.
Protein change: p.Gly1382=; no amino-acid change (glycine 1382 retained).
Molecular consequence: synonymous variant.
Genome position (GRCh38, 1-based): chr17:18,131,471, C>T. VCF-style: chr17-18131471-C-T. GRCh37 (hg19) VCF-style: chr17-18034785-C-T.
Other names: c.4146C>T (NM_016239.3).
Identifiers: ClinVar variation 3016914 (VCV003016914.5), dbSNP rs542219085, ClinGen allele CA8423786.
Genomic context (GRCh38, chr17:18,131,471, plus strand): 5'-GGAGCCAACACCAGCCCTCCTACCCTCACTGAGAGCTGACTGTGCTCCCCACCCCAGGGG[C>T]GTGATCTCTGGTGCCATAACCTCCCAGTACCTGCTTGAGAAATCCAGGATCGTGTTTCAG-3'
Protein context (NP_057323.3, residues 1372-1392): GKFVEIFLEG[Gly1382=]VISGAITSQY